The following is an entry in ClinVar:

ClinVar aggregate classification (germline): Likely pathogenic (1 of 4 stars; one submission).

Conditions:
Intellectual developmental disorder, X-linked, syndromic 34. Also called: Syndromic X-linked intellectual disability 34; MENTAL RETARDATION, X-LINKED, SYNDROMIC, MIRCSOF-LANGOUET TYPE. Identifiers: Orphanet 466791, MedGen C4225417, MONDO:0010501, OMIM 300967.

Submission:

Women's Health and Genetics/Laboratory Corporation of America, LabCorp
Classification: Likely pathogenic for Intellectual developmental disorder, X-linked, syndromic 34. Last evaluated: 2023-01-25. Review status: criteria provided, single submitter. Criteria: LabCorp Variant Classification Summary - May 2015. Collection method: clinical testing. Allele origin: germline.
Comment: Variant summary: NONO c.276_288del13 (p.Lys92AsnfsX26) results in a premature termination codon, predicted to cause a truncation of the encoded protein or absence of the protein due to nonsense mediated decay, which are commonly known mechanisms for disease. Truncations downstream of this position have been cited as pathogenic and disease-associated in ClinVar and HGMD. The variant was absent in 171932 control chromosomes (gnomAD). To our knowledge, no occurrence of c.276_288del13 in individuals affected with NONO-Related Disorders and no experimental evidence demonstrating its impact on protein function have been reported. No clinical diagnostic laboratories have submitted clinical-significance assessments for this variant to ClinVar after 2014. Based on the evidence outlined above, the variant was classified as likely pathogenic.

NM_007363.5(NONO):c.276_288del (p.Lys92fs)

Gene: NONO (non-POU domain containing octamer binding; plus strand). Cytogenetic location: Xq13.1.
Variant type: Deletion.
Coding change: c.276_288del on transcript NM_007363.5 (MANE Select); coding-DNA positions 276 to 288, 13 bases deleted (ACTATTTGAGAAA).
Protein change: p.Lys92fs; shifts the reading frame from lysine 92.
Molecular consequence: frameshift variant.
Genome position (GRCh38, 1-based): chrX:71,291,900-71,291,912, ACTATTTGAGAAA deleted; deleting any 13 consecutive bases within chrX:71,291,898-71,291,912 gives the same sequence; the c. name uses the placement nearest the transcript's 3' end. VCF-style (leftmost placement, unchanged base first): chrX-71291897-GAAACTATTTGAGA-G. GRCh37 (hg19) VCF-style: chrX-70511747-GAAACTATTTGAGA-G.
Other names: c.276_288del, p.Lys92fs (NM_001145408.2, NM_001145409.2); c.9_21del, p.Lys3fs (NM_001145410.2); short protein forms K3fs, K92fs.
Identifiers: ClinVar variation 2429175 (VCV002429175.5), dbSNP rs2519886488, ClinGen allele CA2580101330.